The following is an entry in ClinVar:

ClinVar aggregate classification (germline): Uncertain significance (1 of 4 stars; one submission).

Conditions:
Familial hemophagocytic lymphohistiocytosis 3 (FHL3). Also called: UNC13D-Related Familial Hemophagocytic Lymphohistiocytosis (UNC13D-fHLH). Identifiers: Orphanet 540, MedGen C1837174, MONDO:0012146, OMIM 608898.

Submission:

Labcorp Genetics (formerly Invitae), Labcorp
Classification: Uncertain significance for Familial hemophagocytic lymphohistiocytosis 3. Last evaluated: 2022-03-04. Review status: criteria provided, single submitter. Criteria: Invitae Variant Classification Sherloc (09022015). Collection method: clinical testing. Allele origin: germline.
Comment: This sequence change replaces asparagine, which is neutral and polar, with serine, which is neutral and polar, at codon 703 of the UNC13D protein (p.Asn703Ser). This variant is not present in population databases (gnomAD no frequency). This variant has not been reported in the literature in individuals affected with UNC13D-related conditions. Algorithms developed to predict the effect of missense changes on protein structure and function are either unavailable or do not agree on the potential impact of this missense change (SIFT: "Not Available"; PolyPhen-2: "Probably Damaging"; Align-GVGD: "Not Available"). In summary, the available evidence is currently insufficient to determine the role of this variant in disease. Therefore, it has been classified as a Variant of Uncertain Significance.

NM_199242.3(UNC13D):c.2108A>G (p.Asn703Ser)

Gene: UNC13D (unc-13 homolog D; minus strand). Cytogenetic location: 17q25.1.
Variant type: single nucleotide variant.
Coding change: c.2108A>G on transcript NM_199242.3 (MANE Select); coding-DNA position 2108, A replaced by G.
Protein change: p.Asn703Ser; replaces asparagine 703 with serine.
Molecular consequence: missense variant.
Genome position (GRCh38, 1-based): chr17:75,834,515, T>C on the plus strand (A>G on the coding strand, the complement: UNC13D is on the minus strand). VCF-style: chr17-75834515-T-C. GRCh37 (hg19) VCF-style: chr17-73830596-T-C.
Other names: short protein forms N703S.
Identifiers: ClinVar variation 2106229 (VCV002106229.4), dbSNP rs1032111315, ClinGen allele CA294086406.